The following is an entry in ClinVar:

ClinVar aggregate classification (germline): Likely benign (1 of 4 stars; one submission).

Submission:

CeGaT Center for Human Genetics Tuebingen
Classification: Likely benign. Last evaluated: 2023-01-01. Review status: criteria provided, single submitter. Criteria: CeGaT Center For Human Genetics Tuebingen Variant Classification Criteria Version 2. Collection method: clinical testing. Allele origin: germline. Affected: yes. Observed: 1 variant allele.
Comment: RAD51B: BS2

NM_133510.4(RAD51B):c.316-16_316-3dup

Gene: RAD51B (RAD51 paralog B; plus strand). Cytogenetic location: 14q24.1.
Variant type: Duplication.
Coding change: c.316-16_316-3dup on transcript NM_133510.4 (MANE Select); 16 bases into the intron before coding-DNA position 316 through 3 bases into the intron before coding-DNA position 316, 14 bases duplicated (TTTTTTTTTTTTTT).
Molecular consequence: intron variant.
Genome position (GRCh38, 1-based): chr14:67,864,987-67,865,000, TTTTTTTTTTTTTT duplicated; duplicating any 14 consecutive bases within chr14:67,864,962-67,865,000 gives the same sequence; the c. name uses the placement nearest the transcript's 3' end. VCF-style (leftmost placement, unchanged base first): chr14-67864961-C-CTTTTTTTTTTTTTT. GRCh37 (hg19) VCF-style: chr14-68331678-C-CTTTTTTTTTTTTTT.
Other names: c.316-16_316-3dup (NM_001321818.2, NM_001321809.2, NM_001321821.2 and 6 more transcripts); c.-42-16_-42-3dup (NM_001321817.2); c.202-16_202-3dup (NM_001321815.1).
Identifiers: ClinVar variation 2644342 (VCV002644342.24), dbSNP rs745505141, ClinGen allele CA964257148.